The following is an entry in ClinVar:

ClinVar aggregate classification (germline): Uncertain significance (1 of 4 stars; one submission).

Conditions:
Charcot-Marie-Tooth disease axonal type 2S. Also called: CHARCOT-MARIE-TOOTH NEUROPATHY, TYPE 2S; CHARCOT-MARIE-TOOTH DISEASE, AXONAL, AUTOSOMAL RECESSIVE, TYPE 2S. Identifiers: Orphanet 443073, MedGen C4015349, MONDO:0014511, OMIM 616155.
Autosomal recessive distal spinal muscular atrophy 1. Also called: SEVERE INFANTILE AXONAL NEUROPATHY WITH RESPIRATORY FAILURE; SPINAL MUSCULAR ATROPHY, DIAPHRAGMATIC; Spinal muscular atrophy with respiratory distress 1; NEURONOPATHY, DISTAL HEREDITARY MOTOR, HARDING TYPE VI; NEUROPATHY, DISTAL HEREDITARY MOTOR, AUTOSOMAL RECESSIVE 1; HMN VI. Identifiers: Orphanet 98920, MedGen C1858517, MONDO:0011436, OMIM 604320.

Allele frequency attached by ClinVar (database versions not stated): gnomAD exomes below 0.00001; TOPMed below 0.00001; ExAC 0.00001; gnomAD 0.00001.
gnomAD v4.1: 3 of 1,613,998 alleles (0.00019%); highest among the groups gnomAD compares: Non-Finnish European, 0.00025%; no homozygotes.

Submission:

Labcorp Genetics (formerly Invitae), Labcorp
Classification: Uncertain significance for Autosomal recessive distal spinal muscular atrophy 1; Charcot-Marie-Tooth disease axonal type 2S. Last evaluated: 2022-07-06. Review status: criteria provided, single submitter. Criteria: Invitae Variant Classification Sherloc (09022015). Collection method: clinical testing. Allele origin: germline.
Comment: This sequence change replaces serine, which is neutral and polar, with isoleucine, which is neutral and non-polar, at codon 551 of the IGHMBP2 protein (p.Ser551Ile). This variant is present in population databases (rs768685672, gnomAD 0.0009%). This variant has not been reported in the literature in individuals affected with IGHMBP2-related conditions. ClinVar contains an entry for this variant (Variation ID: 837561). Advanced modeling of protein sequence and biophysical properties (such as structural, functional, and spatial information, amino acid conservation, physicochemical variation, residue mobility, and thermodynamic stability) performed at Invitae indicates that this missense variant is not expected to disrupt IGHMBP2 protein function. In summary, the available evidence is currently insufficient to determine the role of this variant in disease. Therefore, it has been classified as a Variant of Uncertain Significance.

NM_002180.3(IGHMBP2):c.1652G>T (p.Ser551Ile)

Gene: IGHMBP2 (immunoglobulin mu DNA binding protein 2; plus strand). Cytogenetic location: 11q13.3.
Variant type: single nucleotide variant.
Coding change: c.1652G>T on transcript NM_002180.3 (MANE Select); coding-DNA position 1652, G replaced by T.
Protein change: p.Ser551Ile; replaces serine 551 with isoleucine.
Molecular consequence: missense variant.
Genome position (GRCh38, 1-based): chr11:68,935,318, G>T. VCF-style: chr11-68935318-G-T. GRCh37 (hg19) VCF-style: chr11-68702786-G-T.
Other names: short protein forms S551I.
Identifiers: ClinVar variation 837561 (VCV000837561.7), dbSNP rs768685672, ClinGen allele CA6153735.